The following is an entry in ClinVar:

ClinVar aggregate classification (germline): Uncertain significance (1 of 4 stars; one submission).

Conditions:
Hereditary cancer-predisposing syndrome. Also called: Tumor predisposition; Hereditary neoplastic syndrome; Neoplastic Syndromes, Hereditary; Hereditary Cancer Syndrome. Identifiers: Orphanet 140162, MedGen C0027672, MeSH D009386, MONDO:0015356.

gnomAD v4.1: 2 of 1,606,232 alleles (0.00012%); highest among the groups gnomAD compares: Non-Finnish European, 0.00017%; no homozygotes.

Submission:

Ambry Genetics
Classification: Uncertain significance for Hereditary cancer-predisposing syndrome. Last evaluated: 2025-04-06. Review status: criteria provided, single submitter. Criteria: Ambry Variant Classification Scheme 2023. Collection method: clinical testing. Allele origin: germline.
Comment: The p.Y199C variant (also known as c.596A>G), located in coding exon 2 of the BLM gene, results from an A to G substitution at nucleotide position 596. The tyrosine at codon 199 is replaced by cysteine, an amino acid with highly dissimilar properties. This amino acid position is conserved. In addition, this alteration is predicted to be tolerated by in silico analysis. Based on the available evidence, the clinical significance of this variant remains unclear.

NM_000057.4(BLM):c.596A>G (p.Tyr199Cys)

Gene: BLM (BLM RecQ like helicase; plus strand). Cytogenetic location: 15q26.1.
Variant type: single nucleotide variant.
Coding change: c.596A>G on transcript NM_000057.4 (MANE Select); coding-DNA position 596, A replaced by G.
Protein change: p.Tyr199Cys; replaces tyrosine 199 with cysteine.
Molecular consequence: missense variant. On other transcripts: 5 prime UTR variant (1).
Genome position (GRCh38, 1-based): chr15:90,749,864, A>G. VCF-style: chr15-90749864-A-G. GRCh37 (hg19) VCF-style: chr15-91293094-A-G.
Other names: c.596A>G, p.Tyr199Cys (NM_001287246.2, NM_001287247.2); c.-696A>G (NM_001287248.2); short protein forms Y199C.
Identifiers: ClinVar variation 3991616 (VCV003991616.1).